The following is an entry in ClinVar:

NM_020806.5(GPHN):c.2022T>C (p.Pro674=)

Genes: GPHN (gephyrin; plus strand), LOC126861970 (MED14-independent group 3 enhancer GRCh37_chr14:67634697-67635896; plus strand). Cytogenetic location: 14q23.3.
Variant type: single nucleotide variant.
Coding change: c.2022T>C on transcript NM_020806.5 (MANE Select); coding-DNA position 2022, T replaced by C.
Protein change: p.Pro674=; no amino-acid change (proline 674 retained).
Molecular consequence: synonymous variant.
Genome position (GRCh38, 1-based): chr14:67,168,979, T>C. VCF-style: chr14-67168979-T-C. GRCh37 (hg19) VCF-style: chr14-67635696-T-C.
Other names: c.1923T>C, p.Pro641= (NM_001024218.2); c.2082T>C, p.Pro694= (NM_001377514.1); c.2052T>C, p.Pro684= (NM_001377515.1); c.2043T>C, p.Pro681= (NM_001377516.1); c.1995T>C, p.Pro665= (NM_001377517.1); c.1980T>C, p.Pro660= (NM_001377518.1); c.1962T>C, p.Pro654= (NM_001377519.1).
Identifiers: ClinVar variation 1144347 (VCV001144347.33), dbSNP rs747423057, ClinGen allele CA7234257.

ClinVar aggregate classification (germline): Likely benign. Review status: criteria provided, multiple submitters, no conflicts (2 of 4 stars). 2 submissions from 2 submitters: Likely benign (2). Last evaluated 2026-01-09.

Conditions:
Sulfite oxidase deficiency due to molybdenum cofactor deficiency type C. Also called: Molybdenum cofactor deficiency C; Molybdenum cofactor deficiency, complementation group C. Identifiers: Orphanet 308400, Orphanet 833, MedGen C1854990, MONDO:0014212, OMIM 615501.

Allele frequency attached by ClinVar (database versions not stated): ExAC 0.00001; gnomAD exomes 0.00001 and 0.00003; TOPMed 0.00001; gnomAD 0.00002.
gnomAD v4.1: 48 of 1,613,654 alleles (0.003%); highest among the groups gnomAD compares: Non-Finnish European, 0.0041%; no homozygotes.

Submissions (2):

Labcorp Genetics (formerly Invitae), Labcorp
Classification: Likely benign for Sulfite oxidase deficiency due to molybdenum cofactor deficiency type C. Last evaluated: 2026-01-09. Review status: criteria provided, single submitter. Criteria: Invitae Variant Classification Sherloc (09022015). Collection method: clinical testing. Allele origin: germline.

CeGaT Center for Human Genetics Tuebingen
Classification: Likely benign. Last evaluated: 2022-04-01. Review status: criteria provided, single submitter. Criteria: CeGaT Center For Human Genetics Tuebingen Variant Classification Criteria Version 2. Collection method: clinical testing. Allele origin: germline. Affected: yes. Observed: 1 variant allele.
Comment: GPHN: BP4, BP7